The following is an entry in ClinVar:

ClinVar aggregate classification (germline): Uncertain significance. Review status: criteria provided, multiple submitters, no conflicts (2 of 4 stars). 2 submissions from 2 submitters: Uncertain significance (2). Last evaluated 2024-07-15.

Conditions:
Early-infantile DEE. Also called: Early infantile epileptic encephalopathy with suppression bursts; Ohtahara syndrome; Early infantile epileptic encephalopathy. Identifiers: Orphanet 1934, MedGen C0393706, MONDO:0800491.

Submissions (2):

Labcorp Genetics (formerly Invitae), Labcorp
Classification: Uncertain significance for Early-infantile DEE. Last evaluated: 2024-07-15. Review status: criteria provided, single submitter. Criteria: Invitae Variant Classification Sherloc (09022015). Collection method: clinical testing. Allele origin: germline.
Comment: This sequence change replaces glycine, which is neutral and non-polar, with arginine, which is basic and polar, at codon 913 of the SCN1A protein (p.Gly913Arg). This variant is not present in population databases (gnomAD no frequency). This variant has not been reported in the literature in individuals affected with SCN1A-related conditions. ClinVar contains an entry for this variant (Variation ID: 959261). Advanced modeling of protein sequence and biophysical properties (such as structural, functional, and spatial information, amino acid conservation, physicochemical variation, residue mobility, and thermodynamic stability) performed at Invitae indicates that this missense variant is expected to disrupt SCN1A protein function with a positive predictive value of 95%. In summary, the available evidence is currently insufficient to determine the role of this variant in disease. Therefore, it has been classified as a Variant of Uncertain Significance.

Blueprint Genetics
Classification: Uncertain significance. Last evaluated: 2021-03-24. Review status: criteria provided, single submitter. Criteria: ACMG Guidelines, 2015. Collection method: clinical testing. Allele origin: germline.

NM_001165963.4(SCN1A):c.2737G>C (p.Gly913Arg)

Gene: SCN1A (sodium voltage-gated channel alpha subunit 1; minus strand). Cytogenetic location: 2q24.3.
Variant type: single nucleotide variant.
Coding change: c.2737G>C on transcript NM_001165963.4 (MANE Select); coding-DNA position 2737, G replaced by C.
Protein change: p.Gly913Arg; replaces glycine 913 with arginine.
Molecular consequence: missense variant. On other transcripts: non-coding transcript variant (1).
Genome position (GRCh38, 1-based): chr2:166,037,985, C>G on the plus strand (G>C on the coding strand, the complement: SCN1A is on the minus strand). VCF-style: chr2-166037985-C-G. GRCh37 (hg19) VCF-style: chr2-166894495-C-G.
Other names: c.2653G>C, p.Gly885Arg (NM_001165964.3, NM_001353957.2, NM_001353958.2); c.2737G>C, p.Gly913Arg (NM_001202435.3, NM_001353948.2); c.2704G>C, p.Gly902Arg (NM_001353949.2, NM_001353950.2, NM_001353951.2 and 2 more transcripts); c.2701G>C, p.Gly901Arg (NM_001353954.2, NM_001353955.2); c.2650G>C, p.Gly884Arg (NM_001353960.2); c.295G>C, p.Gly99Arg (NM_001353961.2); short protein forms G884R, G902R, G885R, G901R, G913R, G99R.
Identifiers: ClinVar variation 959261 (VCV000959261.9), dbSNP rs1696648191, ClinGen allele CA349061490.
Genomic context (GRCh38, chr2:166,037,985, plus strand): 5'-GCCAGCGTGGGAGTTGACAATCACTGGCGATCTTGCAGACACAATCTTTGTAGCTTTTAC[C>G]AAAGAGCTGCATGCCGACCACGGCAAAAATGAAGACGATGATGGCCAAGACGAGGGTTAA-3'
Protein context (NP_001159435.1, residues 903-923): IFAVVGMQLF[Gly913Arg]KSYKDCVCKI